The following is an entry in ClinVar:

ClinVar aggregate classification (germline): Uncertain significance (1 of 4 stars; one submission).

Conditions:
Hereditary cancer-predisposing syndrome. Also called: Neoplastic Syndromes, Hereditary; Tumor predisposition; Hereditary Cancer Syndrome; Hereditary neoplastic syndrome. Identifiers: Orphanet 140162, MedGen C0027672, MeSH D009386, MONDO:0015356.

Submission:

Color Diagnostics, LLC DBA Color Health
Classification: Uncertain significance for Hereditary cancer-predisposing syndrome. Last evaluated: 2023-04-24. Review status: criteria provided, single submitter. Criteria: ACMG Guidelines, 2015. Collection method: clinical testing. Allele origin: germline.
Comment: This missense variant replaces serine with isoleucine at codon 681 of the BRCA1 protein. Computational prediction is inconclusive regarding the impact of this variant on protein structure and function (internally defined REVEL score threshold 0.5 < inconclusive < 0.7, PMID: 27666373). To our knowledge, functional studies have not been reported for this variant. This variant has been reported in a multifactorial analysis with likelihood ratios for pathogenicity based on co-occurrence with a pathogenic variant and family history of 1.0331 and 0.3838, respectively (PMID: 31131967). This variant has not been identified in the general population by the Genome Aggregation Database (gnomAD). The available evidence is insufficient to determine the role of this variant in disease conclusively. Therefore, this variant is classified as a Variant of Uncertain Significance.

Literature cited by the submitters: PubMed 31131967.

NM_007294.4(BRCA1):c.2042G>T (p.Ser681Ile)

Gene: BRCA1 (BRCA1 DNA repair associated; minus strand). Cytogenetic location: 17q21.31.
Variant type: single nucleotide variant.
Coding change: c.2042G>T on transcript NM_007294.4 (MANE Select); coding-DNA position 2042, G replaced by T.
Protein change: p.Ser681Ile; replaces serine 681 with isoleucine.
Molecular consequence: missense variant. On other transcripts: intron variant (137).
Genome position (GRCh38, 1-based): chr17:43,093,489, C>A on the plus strand (G>T on the coding strand, the complement: BRCA1 is on the minus strand). VCF-style: chr17-43093489-C-A. GRCh37 (hg19) VCF-style: chr17-41245506-C-A.
Other names: c.2042G>T, p.Ser681Ile (NM_001407585.1, NM_001407598.1, NM_001407593.1 and 30 more transcripts); c.577+1255G>T (NM_001408513.1, NM_001408481.1, NM_001408480.1 and 9 more transcripts); c.2039G>T, p.Ser680Ile (NM_001407587.1, NM_001407590.1, NM_001407591.1 and 22 more transcripts); c.520+1255G>T (NM_001408503.1, NM_001408505.1, NM_001408504.1); c.523+1255G>T (NM_001408500.1, NM_001408497.1, NM_001408498.1 and 3 more transcripts); c.646+1255G>T (NM_001408466.1, NM_001408452.1, NM_001408457.1 and 11 more transcripts); c.404-2457G>T (NM_001408511.1); c.460+2357G>T (NM_001408507.1, NM_001408506.1); and 40 more; short protein forms S634I, S681I, S554I, S614I, S655I, S678I, S385I, S610I.
Identifiers: ClinVar variation 2774855 (VCV002774855.2), dbSNP rs1452826319, ClinGen allele CA10597922.
Genomic context (GRCh38, chr17:43,093,489, plus strand): 5'-TTCAGCTCTGGGAAAGTATCGCTGTCATGTCTTTTACTTGTCTGTTCATTTGGCTTGTTA[C>A]TCTTCTTGGCTCCAGTTGCAGGTTCTTTACCTTCCATGAGTTGTAGGTTTCTGCTGTGCC-3'
Protein context (NP_009225.1, residues 671-691): GKEPATGAKK[Ser681Ile]NKPNEQTSKR